The following is an entry in ClinVar:

ClinVar aggregate classification (germline): Uncertain significance (1 of 4 stars; one submission).

Conditions:
Familial cancer of breast. Also called: Hereditary breast cancer; BREAST CANCER, FAMILIAL; hereditary breast carcinoma. Identifiers: Orphanet 227535, MedGen C0346153, MONDO:0016419, OMIM 114480. Disease mechanism: loss of function.

Submission:

Labcorp Genetics (formerly Invitae), Labcorp
Classification: Uncertain significance for Familial cancer of breast. Last evaluated: 2023-09-03. Review status: criteria provided, single submitter. Criteria: Invitae Variant Classification Sherloc (09022015). Collection method: clinical testing. Allele origin: germline.
Comment: In summary, the available evidence is currently insufficient to determine the role of this variant in disease. Therefore, it has been classified as a Variant of Uncertain Significance. Algorithms developed to predict the effect of missense changes on protein structure and function output the following: SIFT: "Not Available"; PolyPhen-2: "Benign"; Align-GVGD: "Not Available". The alanine amino acid residue is found in multiple mammalian species, which suggests that this missense change does not adversely affect protein function. This variant has not been reported in the literature in individuals affected with PALB2-related conditions. This variant is not present in population databases (gnomAD no frequency). This sequence change replaces proline, which is neutral and non-polar, with alanine, which is neutral and non-polar, at codon 5 of the PALB2 protein (p.Pro5Ala).

NM_024675.4(PALB2):c.13C>G (p.Pro5Ala)

Gene: PALB2 (partner and localizer of BRCA2; minus strand). Cytogenetic location: 16p12.2.
Variant type: single nucleotide variant.
Coding change: c.13C>G on transcript NM_024675.4 (MANE Select); coding-DNA position 13, C replaced by G.
Protein change: p.Pro5Ala; replaces proline 5 with alanine.
Molecular consequence: missense variant. On other transcripts: 5 prime UTR variant (10).
Genome position (GRCh38, 1-based): chr16:23,641,145, G>C on the plus strand (C>G on the coding strand, the complement: PALB2 is on the minus strand). VCF-style: chr16-23641145-G-C. GRCh37 (hg19) VCF-style: chr16-23652466-G-C.
Other names: c.13C>G, p.Pro5Ala (NM_001407296.1, NM_001407297.1, NM_001407298.1 and 5 more transcripts); c.-1731C>G (NM_001407304.1, NM_001407310.1); c.-1007C>G (NM_001407305.1, NM_001407307.1, NM_001407309.1 and 1 more transcripts); c.-856C>G (NM_001407306.1, NM_001407308.1); c.-140C>G (NM_001407312.1, NM_001407313.1); short protein forms P5A.
Identifiers: ClinVar variation 2757708 (VCV002757708.3), dbSNP rs377085677, ClinGen allele CA395141206.